The following is an entry in ClinVar:

ClinVar aggregate classification (germline): Pathogenic. Review status: criteria provided, multiple submitters, no conflicts (2 of 4 stars). 6 submissions from 6 submitters: Pathogenic (4). 2 of the submissions do not count toward it. Last evaluated 2025-04-27.

Conditions:
Developmental and epileptic encephalopathy, 24 (DEE24). Also called: Epileptic encephalopathy, early infantile, 24. Identifiers: Orphanet 442835, MedGen C4014531, MONDO:0014377, OMIM 615871.
Early-infantile DEE. Also called: Early infantile epileptic encephalopathy; Ohtahara syndrome; Early infantile epileptic encephalopathy with suppression bursts. Identifiers: Orphanet 1934, MedGen C0393706, MONDO:0800491.
Generalized epilepsy with febrile seizures plus, type 10. Also called: GEFS+, TYPE 10. Identifiers: MedGen C5193120, MONDO:0032777, OMIM 618482.
HCN1-related disorder. Also called: HCN1-related condition; HCN1-related disorders.

Allele frequency attached by ClinVar (database versions not stated): gnomAD exomes below 0.00001.
gnomAD v4.1: 1 of 1,613,716 alleles (0.000062%); highest among the groups gnomAD compares: Non-Finnish European, 0.000085%; no homozygotes.

Submissions (6):

Labcorp Genetics (formerly Invitae), Labcorp
Classification: Pathogenic for Early-infantile DEE. Last evaluated: 2025-04-27. Review status: criteria provided, single submitter. Criteria: Invitae Variant Classification Sherloc (09022015). Collection method: clinical testing. Allele origin: germline.
Comment: This sequence change replaces glycine, which is neutral and non-polar, with serine, which is neutral and polar, at codon 391 of the HCN1 protein (p.Gly391Ser). This variant is not present in population databases (gnomAD no frequency). This missense change has been observed in individual(s) with clinical features of early infantile epileptic encephalopathy (PMID: 30351409). In at least one individual the variant was observed to be de novo. ClinVar contains an entry for this variant (Variation ID: 635189). Invitae Evidence Modeling of protein sequence and biophysical properties (such as structural, functional, and spatial information, amino acid conservation, physicochemical variation, residue mobility, and thermodynamic stability) has been performed for this missense variant. However, the output from this modeling did not meet the statistical confidence thresholds required to predict the impact of this variant on HCN1 protein function. Experimental studies have shown that this missense change affects HCN1 function (PMID: 30351409). This variant disrupts the p.Gly391 amino acid residue in HCN1. Other variant(s) that disrupt this residue have been determined to be pathogenic (internal data). This suggests that this residue is clinically significant, and that variants that disrupt this residue are likely to be disease-causing. For these reasons, this variant has been classified as Pathogenic.

3billion
Classification: Pathogenic for HCN1-related disorder. Last evaluated: 2024-06-17. Review status: criteria provided, single submitter. Criteria: ACMG Guidelines, 2015. Collection method: clinical testing. Allele origin: germline. Affected: yes.
Comment: The variant is observed at an extremely low frequency in the gnomAD v4.0.0 dataset (total allele frequency: <0.001%). Predicted Consequence/Location: Missense changes are a common disease-causing mechanism. Functional studies provide moderate evidence of the variant having a damaging effect on the gene or gene product (PMID: 30351409). In silico tool predictions suggest damaging effect of the variant on gene or gene product [REVEL: 0.90 (>=0.6, sensitivity 0.68 and specificity 0.92); 3Cnet: 0.32 (>=0.6, sensitivity 0.72 and precision 0.9)]. The same nucleotide change resulting in the same amino acid change has been previously reported as pathogenic/likely pathogenic with strong evidence (ClinVar ID: VCV000635189 /PMID: 30351409). Different missense changes at the same codon (p.Gly391Asp, p.Gly391Cys, p.Gly391Val) have been reported as pathogenic/likely pathogenic with strong evidence (ClinVar ID: VCV000375529, VCV001074847 /PMID: 27864847, 30351409). Therefore, this variant is classified as Pathogenic according to the recommendation of ACMG/AMP guideline.

GeneDx
Classification: Pathogenic. Last evaluated: 2024-06-10. Review status: criteria provided, single submitter. Criteria: GeneDx Variant Classification Process June 2021. Collection method: clinical testing. Allele origin: germline. Affected: yes.
Comment: Not observed at significant frequency in large population cohorts (gnomAD); In silico analysis supports that this missense variant has a deleterious effect on protein structure/function; This variant is associated with the following publications: (PMID: 33822003, 30351409, 34310985, 31572294, 30986657, 27864847)

MGZ Medical Genetics Center
Classification: Pathogenic for Developmental and epileptic encephalopathy, 24. Last evaluated: 2022-05-03. Review status: criteria provided, single submitter. Criteria: ACMG Guidelines, 2015. Collection method: clinical testing. Allele origin: germline. Affected: yes. Observed: 1 variant allele.
Comment: ACMG criteria applied: PS4, PS2_MOD, PM5, PM2_SUP, PP2, PP3

Department of Neurology, Hunan Children's Hospital
Classification: Pathogenic for Generalized epilepsy with febrile seizures plus, type 10. Last evaluated: 2021-12-01. Review status: no assertion criteria provided. Collection method: clinical testing. Allele origin: de novo. Affected: yes. Not counted in ClinVar's aggregate classification.

OMIM
Classification: Pathogenic for GENERALIZED EPILEPSY WITH FEBRILE SEIZURES PLUS, TYPE 10. Last evaluated: 2019-06-25. Review status: no assertion criteria provided. Collection method: literature only. Allele origin: germline. Not counted in ClinVar's aggregate classification.

Literature cited by the submitters: PubMed 30351409 (cited by 3 submitters); PubMed 27864847 (cited by 3billion).

NM_021072.4(HCN1):c.1171G>A (p.Gly391Ser)

Gene: HCN1 (hyperpolarization activated cyclic nucleotide gated potassium channel 1; minus strand). Cytogenetic location: 5p12.
Variant type: single nucleotide variant.
Coding change: c.1171G>A on transcript NM_021072.4 (MANE Select); coding-DNA position 1171, G replaced by A.
Protein change: p.Gly391Ser; replaces glycine 391 with serine.
Molecular consequence: missense variant.
Genome position (GRCh38, 1-based): chr5:45,396,551, C>T on the plus strand (G>A on the coding strand, the complement: HCN1 is on the minus strand). VCF-style: chr5-45396551-C-T. GRCh37 (hg19) VCF-style: chr5-45396653-C-T.
Other names: short protein forms G391S.
Identifiers: ClinVar variation 635189 (VCV000635189.17), dbSNP rs1561139569, ClinGen allele CA359705265.